The following is an entry in ClinVar:

ClinVar aggregate classification (germline): Uncertain significance. Review status: criteria provided, multiple submitters, no conflicts (2 of 4 stars). 2 submissions from 2 submitters: Uncertain significance (2). Last evaluated 2025-09-25.

Conditions:
Ectodermal dysplasia and immunodeficiency 2. Identifiers: Orphanet 238468, Orphanet 98813, MedGen C2677481, MONDO:0012806, OMIM 612132.
Inborn genetic diseases. Identifiers: MedGen C0950123, MeSH D030342.

Allele frequency attached by ClinVar (database versions not stated): gnomAD 0.00001; gnomAD exomes 0.00001 and 0.00003; ExAC 0.00002; TOPMed 0.00002.
gnomAD v4.1: 41 of 1,613,838 alleles (0.0025%); highest among the groups gnomAD compares: Non-Finnish European, 0.0031%; no homozygotes.

Submissions (2):

Ambry Genetics
Classification: Uncertain significance for Inborn genetic diseases. Last evaluated: 2025-09-25. Review status: criteria provided, single submitter. Criteria: Ambry Variant Classification Scheme 2023. Collection method: clinical testing. Allele origin: germline.

Labcorp Genetics (formerly Invitae), Labcorp
Classification: Uncertain significance for Ectodermal dysplasia and immunodeficiency 2. Last evaluated: 2025-02-06. Review status: criteria provided, single submitter. Criteria: Invitae Variant Classification Sherloc (09022015). Collection method: clinical testing. Allele origin: germline.
Comment: This sequence change replaces proline, which is neutral and non-polar, with leucine, which is neutral and non-polar, at codon 114 of the NFKBIA protein (p.Pro114Leu). This variant is present in population databases (rs760056320, gnomAD 0.004%). This variant has not been reported in the literature in individuals affected with NFKBIA-related conditions. ClinVar contains an entry for this variant (Variation ID: 945324). An algorithm developed to predict the effect of missense changes on protein structure and function (PolyPhen-2) suggests that this variant is likely to be disruptive. In summary, the available evidence is currently insufficient to determine the role of this variant in disease. Therefore, it has been classified as a Variant of Uncertain Significance.

NM_020529.3(NFKBIA):c.341C>T (p.Pro114Leu)

Genes: NFKBIA (NFKB inhibitor alpha; minus strand), LOC130055494 (ATAC-STARR-seq lymphoblastoid active region 8276; plus strand). Cytogenetic location: 14q13.2.
Variant type: single nucleotide variant.
Coding change: c.341C>T on transcript NM_020529.3 (MANE Select); coding-DNA position 341, C replaced by T.
Protein change: p.Pro114Leu; replaces proline 114 with leucine.
Molecular consequence: missense variant.
Genome position (GRCh38, 1-based): chr14:35,403,356, G>A on the plus strand (C>T on the coding strand, the complement: NFKBIA is on the minus strand). VCF-style: chr14-35403356-G-A. GRCh37 (hg19) VCF-style: chr14-35872562-G-A.
Other names: short protein forms P114L.
Identifiers: ClinVar variation 945324 (VCV000945324.11), dbSNP rs760056320, ClinGen allele CA7155483.